The following is an entry in ClinVar:

NM_000053.4(ATP7B):c.618T>A (p.Phe206Leu)

Gene: ATP7B (ATPase copper transporting beta; minus strand). Cytogenetic location: 13q14.3.
Variant type: single nucleotide variant.
Coding change: c.618T>A on transcript NM_000053.4 (MANE Select); coding-DNA position 618, T replaced by A.
Protein change: p.Phe206Leu; replaces phenylalanine 206 with leucine.
Molecular consequence: missense variant.
Genome position (GRCh38, 1-based): chr13:51,974,602, A>T on the plus strand (T>A on the coding strand, the complement: ATP7B is on the minus strand). VCF-style: chr13-51974602-A-T. GRCh37 (hg19) VCF-style: chr13-52548738-A-T.
Other names: c.618T>A, p.Phe206Leu (NM_001005918.3, NM_001243182.2, NM_001330578.2 and 1 more transcripts); short protein forms F206L.
Identifiers: ClinVar variation 312399 (VCV000312399.7), dbSNP rs764353593, ClinGen allele CA10643654.

ClinVar aggregate classification (germline): Uncertain significance. Review status: criteria provided, multiple submitters, no conflicts (2 of 4 stars). 3 submissions from 3 submitters: Uncertain significance (3). Last evaluated 2026-07-02.

Conditions:
Inborn genetic diseases. Identifiers: MedGen C0950123, MeSH D030342.
Wilson disease (WND). Also called: Wilson's disease. Identifiers: Orphanet 905, MedGen C0019202, MONDO:0010200, OMIM 277900. Disease mechanism: loss of function.

gnomAD v4.1: 1 of 1,613,814 alleles (0.000062%); highest among the groups gnomAD compares: Non-Finnish European, 0.000085%; no homozygotes.

Submissions (3):

Ambry Genetics
Classification: Uncertain significance for Inborn genetic diseases. Last evaluated: 2026-07-02. Review status: criteria provided, single submitter. Criteria: Ambry Variant Classification Scheme 2023. Collection method: clinical testing. Allele origin: germline.
Comment: The p.F206L variant (also known as c.618T>A), located in coding exon 2 of the ATP7B gene, results from a T to A substitution at nucleotide position 618. The phenylalanine at codon 206 is replaced by leucine, an amino acid with highly similar properties. This amino acid position is conserved. In addition, the in silico prediction for this alteration is inconclusive. Based on the available evidence, the clinical significance of this variant remains unclear.

All of Us Research Program, National Institutes of Health
Classification: Uncertain significance for Wilson disease. Last evaluated: 2023-02-24. Review status: criteria provided, single submitter. Criteria: ACMG Guidelines, 2015. Collection method: clinical testing. Allele origin: germline. Inheritance: Autosomal recessive inheritance. Observed: 1 variant allele, 1 heterozygote.
Comment: This missense variant replaces phenylalanine with leucine at codon 206 of the ATP7B protein. Computational prediction suggests that this variant may have deleterious impact on protein structure and function (internally defined REVEL score threshold >= 0.7, PMID: 27666373). To our knowledge, functional studies have not been reported for this variant. This variant has not been reported in individuals affected with Wilson disease in the literature. This variant has not been identified in the general population by the Genome Aggregation Database (gnomAD). The available evidence is insufficient to determine the role of this variant in disease conclusively. Therefore, this variant is classified as a Variant of Uncertain Significance.

This study involves interpretation of variants in research participants for the purpose of population health screening. Participant phenotype was not available at the time of variant classification. Additional details can be found in publication PMID: 35346344, PMCID: PMC8962531

Illumina Laboratory Services, Illumina
Classification: Uncertain significance for Wilson disease. Last evaluated: 2018-01-12. Review status: criteria provided, single submitter. Criteria: ICSL Variant Classification Criteria 13 December 2019. Collection method: clinical testing. Allele origin: germline.